The following is an entry in ClinVar:

ClinVar aggregate classification (germline): Benign/Likely benign. Review status: criteria provided, multiple submitters, no conflicts (2 of 4 stars). 6 submissions from 6 submitters: Benign (3); Likely benign (2). 1 of the submissions does not count toward it. Last evaluated 2026-02-03.

Conditions:
PPP1CB-related disorder. Also called: PPP1CB-related condition.

Allele frequency attached by ClinVar (database versions not stated): gnomAD exomes 0.00022 and 0.00034; ExAC 0.00028; gnomAD 0.00032 and 0.00036; TOPMed 0.00021.
gnomAD v4.1: 369 of 1,596,994 alleles (0.023%); highest among the groups gnomAD compares: Admixed American, 0.032%; 2 homozygotes.

Submissions (6):

Labcorp Genetics (formerly Invitae), Labcorp
Classification: Benign. Last evaluated: 2026-02-03. Review status: criteria provided, single submitter. Criteria: Invitae Variant Classification Sherloc (09022015). Collection method: clinical testing. Allele origin: germline.

Laboratory of Genetics, Children's Clinical University Hospital Latvia
Classification: Benign. Last evaluated: 2025-02-16. Review status: criteria provided, single submitter. Criteria: ACMG Guidelines, 2015. Collection method: clinical testing. Allele origin: germline. Affected: yes.

CeGaT Center for Human Genetics Tuebingen
Classification: Likely benign. Last evaluated: 2024-12-01. Review status: criteria provided, single submitter. Criteria: CeGaT Center For Human Genetics Tuebingen Variant Classification Criteria Version 2. Collection method: clinical testing. Allele origin: germline. Affected: yes. Observed: 3 variant alleles.
Comment: PPP1CB: BP4, BS2

Blueprint Genetics
Classification: Likely benign. Last evaluated: 2024-09-19. Review status: criteria provided, single submitter. Criteria: ACMG Guidelines, 2015. Collection method: clinical testing. Allele origin: germline.

Women's Health and Genetics/Laboratory Corporation of America, LabCorp
Classification: Benign. Last evaluated: 2023-11-20. Review status: criteria provided, single submitter. Criteria: LabCorp Variant Classification Summary - May 2015. Collection method: clinical testing. Allele origin: germline.

PreventionGenetics, part of Exact Sciences
Classification: Likely benign for PPP1CB-related condition. Last evaluated: 2019-05-23. Review status: no assertion criteria provided. Collection method: clinical testing. Allele origin: germline. Not counted in ClinVar's aggregate classification.
Comment: This variant is classified as likely benign based on ACMG/AMP sequence variant interpretation guidelines (Richards et al. 2015 PMID: 25741868, with internal and published modifications).

NM_002709.3(PPP1CB):c.520+7T>C

Gene: PPP1CB (protein phosphatase 1 catalytic subunit beta; plus strand). Cytogenetic location: 2p23.2.
Variant type: single nucleotide variant.
Coding change: c.520+7T>C on transcript NM_002709.3 (MANE Select); 7 bases into the intron after coding-DNA position 520, T replaced by C.
Molecular consequence: intron variant.
Genome position (GRCh38, 1-based): chr2:28,781,849, T>C. VCF-style: chr2-28781849-T-C. GRCh37 (hg19) VCF-style: chr2-29004715-T-C.
Other names: c.520+7T>C (NM_206876.1, NM_206876.2).
Identifiers: ClinVar variation 1599402 (VCV001599402.36), dbSNP rs200836202, ClinGen allele CA1589232.
Genomic context (GRCh38, chr2:28,781,849, plus strand): 5'-ACTGTCTGCCTATAGCAGCCATTGTGGATGAGAAGATCTTCTGTTGTCATGGAGGTAGAC[T>C]AGTAAATTTGCCTTACAGATTTTTTTTTTCTTCTATTATTCGGAAAATACCTATAATAAT-3'